The following is an entry in ClinVar:

NM_024577.4(SH3TC2):c.223C>T (p.Arg75Trp)

Gene: SH3TC2 (SH3 domain and tetratricopeptide repeats 2; minus strand). Cytogenetic location: 5q32.
Variant type: single nucleotide variant.
Coding change: c.223C>T on transcript NM_024577.4 (MANE Select); coding-DNA position 223, C replaced by T.
Protein change: p.Arg75Trp; replaces arginine 75 with tryptophan.
Molecular consequence: missense variant.
Genome position (GRCh38, 1-based): chr5:149,047,918, G>A on the plus strand (C>T on the coding strand, the complement: SH3TC2 is on the minus strand). VCF-style: chr5-149047918-G-A. GRCh37 (hg19) VCF-style: chr5-148427481-G-A.
Other names: short protein forms R75W.
Identifiers: ClinVar variation 1027039 (VCV001027039.6), dbSNP rs769679412, ClinGen allele CA3499595.

ClinVar aggregate classification (germline): Uncertain significance. Review status: criteria provided, multiple submitters, no conflicts (2 of 4 stars). 2 submissions from 2 submitters: Uncertain significance (2). Last evaluated 2022-05-25.

Conditions:
Charcot-Marie-Tooth disease type 4. Also called: Charcot-Marie-Tooth, Type 4; Charcot-Marie-Tooth disease, type IV. Identifiers: Orphanet 64749, MedGen C4082197, MONDO:0018995.

Allele frequency attached by ClinVar (database versions not stated): ExAC 0.00007; gnomAD exomes 0.00003; TOPMed 0.00002; gnomAD 0.00003.
gnomAD v4.1: 31 of 1,613,980 alleles (0.0019%); highest among the groups gnomAD compares: Admixed American, 0.0067%; no homozygotes.

Submissions (2):

Labcorp Genetics (formerly Invitae), Labcorp
Classification: Uncertain significance for Charcot-Marie-Tooth disease type 4. Last evaluated: 2022-05-25. Review status: criteria provided, single submitter. Criteria: Invitae Variant Classification Sherloc (09022015). Collection method: clinical testing. Allele origin: germline.
Comment: In summary, the available evidence is currently insufficient to determine the role of this variant in disease. Therefore, it has been classified as a Variant of Uncertain Significance. Advanced modeling of protein sequence and biophysical properties (such as structural, functional, and spatial information, amino acid conservation, physicochemical variation, residue mobility, and thermodynamic stability) performed at Invitae indicates that this missense variant is expected to disrupt SH3TC2 protein function. ClinVar contains an entry for this variant (Variation ID: 1027039). This variant has not been reported in the literature in individuals affected with SH3TC2-related conditions. This variant is present in population databases (rs769679412, gnomAD 0.01%). This sequence change replaces arginine, which is basic and polar, with tryptophan, which is neutral and slightly polar, at codon 75 of the SH3TC2 protein (p.Arg75Trp).

GeneDx
Classification: Uncertain significance. Last evaluated: 2019-09-06. Review status: criteria provided, single submitter. Criteria: GeneDx Variant Classification Process June 2021. Collection method: clinical testing. Allele origin: germline. Affected: yes.
Comment: Not observed at a significant frequency in large population cohorts (Lek et al., 2016); In silico analysis, which includes protein predictors and evolutionary conservation, supports a deleterious effect; Has not been previously published as pathogenic or benign to our knowledge; A different missense change at this residue (R75P) has been reported in the published literature] (Stenson et al., 2014)